The following is an entry in ClinVar:

NM_001367624.2(ZNF469):c.8133G>C (p.Gln2711His)

Gene: ZNF469 (zinc finger protein 469; plus strand). Cytogenetic location: 16q24.2.
Variant type: single nucleotide variant.
Coding change: c.8133G>C on transcript NM_001367624.2 (MANE Select); coding-DNA position 8133, G replaced by C.
Protein change: p.Gln2711His; replaces glutamine 2711 with histidine.
Molecular consequence: missense variant.
Genome position (GRCh38, 1-based): chr16:88,435,603, G>C. VCF-style: chr16-88435603-G-C. GRCh37 (hg19) VCF-style: chr16-88502011-G-C.
Other names: NM_001127464.1:c.8049G>C; short protein forms Q2711H.
Identifiers: ClinVar variation 1761780 (VCV001761780.2), dbSNP rs1567515326, ClinGen allele CA397116041.
Genomic context (GRCh38, chr16:88,435,603, plus strand): 5'-GCCGCCTCGCTTGGCCACTCTGGGACCTGGGGTGATGGAGGGTGCAGCGGAGACTGACCA[G>C]GAGGCTCTGTGTGCAGGGGAGACTGGGGCCCAGAAGCCACCTGGAGATCGGATGCTGTGT-3'
Protein context (NP_001354553.1, residues 2701-2721): GVMEGAAETD[Gln2711His]EALCAGETGA

ClinVar aggregate classification (germline): Uncertain significance (1 of 4 stars; one submission).

Conditions:
Cardiovascular phenotype. Identifiers: MedGen CN230736.

Submission:

Ambry Genetics
Classification: Uncertain significance for Cardiovascular phenotype. Last evaluated: 2022-07-10. Review status: criteria provided, single submitter. Criteria: Ambry Variant Classification Scheme 2023. Collection method: clinical testing. Allele origin: germline.
Comment: The p.Q2683H variant (also known as c.8049G>C), located in coding exon 2 of the ZNF469 gene, results from a G to C substitution at nucleotide position 8049. The glutamine at codon 2683 is replaced by histidine, an amino acid with highly similar properties. This amino acid position is conserved. In addition, this alteration is predicted to be tolerated by in silico analysis. Since supporting evidence is limited at this time, the clinical significance of this alteration remains unclear.